The following is an entry in ClinVar:

NM_003673.4(TCAP):c.94A>T (p.Thr32Ser)

Gene: TCAP (titin-cap; plus strand). Cytogenetic location: 17q12.
Variant type: single nucleotide variant.
Coding change: c.94A>T on transcript NM_003673.4 (MANE Select); coding-DNA position 94, A replaced by T.
Protein change: p.Thr32Ser; replaces threonine 32 with serine.
Molecular consequence: missense variant.
Genome position (GRCh38, 1-based): chr17:39,665,453, A>T. VCF-style: chr17-39665453-A-T. GRCh37 (hg19) VCF-style: chr17-37821706-A-T.
Other names: short protein forms T32S.
Identifiers: ClinVar variation 1767156 (VCV001767156.2), dbSNP rs2057247543, ClinGen allele CA399303128.

ClinVar aggregate classification (germline): Uncertain significance (1 of 4 stars; one submission).

Conditions:
Cardiovascular phenotype. Identifiers: MedGen CN230736.

Allele frequency attached by ClinVar (database versions not stated): gnomAD 0.00001.
gnomAD v4.1: 1 of 1,613,288 alleles (0.000062%); highest among the groups gnomAD compares: African/African-American, 0.0013%; no homozygotes.

Submission:

Ambry Genetics
Classification: Uncertain significance for Cardiovascular phenotype. Last evaluated: 2022-01-30. Review status: criteria provided, single submitter. Criteria: Ambry Variant Classification Scheme 2023. Collection method: clinical testing. Allele origin: germline.
Comment: The p.T32S variant (also known as c.94A>T), located in coding exon 1 of the TCAP gene, results from an A to T substitution at nucleotide position 94. The threonine at codon 32 is replaced by serine, an amino acid with similar properties. This amino acid position is conserved. In addition, the in silico prediction for this alteration is inconclusive. Since supporting evidence is limited at this time, the clinical significance of this alteration remains unclear.